The following is an entry in ClinVar:

ClinVar aggregate classification (germline): Benign/Likely benign. Review status: criteria provided, multiple submitters, no conflicts (2 of 4 stars). 2 submissions from 2 submitters: Benign (1); Likely benign (1). Last evaluated 2019-11-19.

Conditions:
Wolfram syndrome 1 (WFS1). Identifiers: Orphanet 3463, MedGen C4551693, MONDO:0009101, OMIM 222300.

Allele frequency attached by ClinVar (database versions not stated): 1000 Genomes Project 0.37001.

Submissions (2):

GeneDx
Classification: Benign. Last evaluated: 2019-11-19. Review status: criteria provided, single submitter. Criteria: GeneDx Variant Classification Process June 2021. Collection method: clinical testing. Allele origin: germline. Affected: yes.

Clinical Genomics, Uppaluri K&H Personalized Medicine Clinic
Classification: Likely benign for Wolfram syndrome 1. Review status: criteria provided, single submitter. Criteria: K & H Uppaluri Personalized Medicine Clinic Variant Classification & Assertion Criteria_Updated V.1. Collection method: research. Allele origin: unknown. Inheritance: Autosomal recessive inheritance.
Comment: Potent mutations in WFS1 gene are associated with Wolfram's syndrome, an autosomal recessive condition, which cause diabetes mellitus, diabetes insipidus, deafness and optic atrophy. However no sufficient evidence is found to ascertain the role of this particular variant rs56102017 in Wolfram's syndrome yet.

Literature cited by the submitters: PubMed 20738327 (cited by Clinical Genomics, Uppaluri K&H Personalized Medicine Clinic); PubMed 33879153 (cited by Clinical Genomics, Uppaluri K&H Personalized Medicine Clinic); PubMed 12955714 (cited by Clinical Genomics, Uppaluri K&H Personalized Medicine Clinic); PubMed 18060660 (cited by Clinical Genomics, Uppaluri K&H Personalized Medicine Clinic); PubMed 20301750 (cited by Clinical Genomics, Uppaluri K&H Personalized Medicine Clinic); PubMed 17603484 (cited by Clinical Genomics, Uppaluri K&H Personalized Medicine Clinic).

NM_006005.3(WFS1):c.461-166_461-165insCA

Gene: WFS1 (wolframin ER transmembrane glycoprotein; plus strand). Cytogenetic location: 4p16.1.
Variant type: Insertion.
Coding change: c.461-166_461-165insCA on transcript NM_006005.3 (MANE Select); 166 bases into the intron before coding-DNA position 461 through 165 bases into the intron before coding-DNA position 461, CA inserted.
Molecular consequence: intron variant.
Genome position: GRCh38 VCF-style: chr4-6291031-G-GCA. GRCh37 (hg19) VCF-style: chr4-6292758-G-GCA.
Other names: c.461-166_461-165insCA (NM_001145853.1).
Identifiers: ClinVar variation 670289 (VCV000670289.3), dbSNP rs56102017, ClinGen allele CA91794558.